The following is an entry in ClinVar:

NM_001267550.2(TTN):c.12113C>A (p.Thr4038Asn)

Gene: TTN (titin; minus strand). Cytogenetic location: 2q31.2.
Variant type: single nucleotide variant.
Coding change: c.12113C>A on transcript NM_001267550.2 (MANE Select); coding-DNA position 12113, C replaced by A.
Protein change: p.Thr4038Asn; replaces threonine 4038 with asparagine.
Molecular consequence: missense variant. On other transcripts: intron variant (1).
Genome position (GRCh38, 1-based): chr2:178,741,120, G>T on the plus strand (C>A on the coding strand, the complement: TTN is on the minus strand). VCF-style: chr2-178741120-G-T. GRCh37 (hg19) VCF-style: chr2-179605847-G-T.
Other names: p.T3721N:ACC>AAC; c.11162C>A, p.Thr3721Asn (NM_001256850.1); c.11024C>A, p.Thr3675Asn (NM_003319.4); c.11399C>A, p.Thr3800Asn (NM_133432.3); c.11600C>A, p.Thr3867Asn (NM_133437.4); c.10361-2760C>A (NM_133378.4); short protein forms T3721N, T4038N, T3675N, T3867N, T3800N.
Identifiers: ClinVar variation 203223 (VCV000203223.3), dbSNP rs758968807, ClinGen allele CA311728.

ClinVar aggregate classification (germline): Uncertain significance. Review status: criteria provided, single submitter (1 of 4 stars). 2 submissions from 2 submitters: Uncertain significance (1). 1 of the submissions does not count toward it. Last evaluated 2017-06-23.

Conditions:
Dilated cardiomyopathy 1G (CMD1G). Identifiers: Orphanet 154, MedGen C1858763, MONDO:0011400, OMIM 604145.
Autosomal recessive limb-girdle muscular dystrophy type 2J (LGMDR10). Also called: MUSCULAR DYSTROPHY, LIMB-GIRDLE, AUTOSOMAL RECESSIVE 10; Limb-girdle muscular dystrophy, type 2J. Identifiers: Orphanet 140922, MedGen C1837342, MONDO:0012127, OMIM 608807.

Allele frequency attached by ClinVar (database versions not stated): gnomAD 0.00001; TOPMed 0.00001.
gnomAD v4.1: 7 of 1,613,572 alleles (0.00043%); highest among the groups gnomAD compares: Admixed American, 0.0017%; no homozygotes.

Submissions (2):

Labcorp Genetics (formerly Invitae), Labcorp
Classification: Uncertain significance for Dilated cardiomyopathy 1G; Autosomal recessive limb-girdle muscular dystrophy type 2J. Last evaluated: 2017-06-23. Review status: criteria provided, single submitter. Criteria: Invitae Variant Classification Sherloc (09022015). Collection method: clinical testing. Allele origin: germline.

GeneDx
No classification provided. Last evaluated: 2014-04-11. Review status: no classification provided. Criteria: GeneDx Variant Classification (06012015). Collection method: clinical testing. Allele origin: germline. Affected: yes. Not counted in ClinVar's aggregate classification.
Comment: Missense variants in the TTN gene are considered 'unclassified' if they are not previously reported in the literature and do not have >1% frequency in the population to be considered a polymorphism. Research indicates that truncating mutations in the TTN gene are expected to account for approximately 25% of familial and 18% of sporadic idiopathic DCM; however, truncating variants in the TTN gene have been reported in approximately 3% of reported control alleles. There has been little investigation into non-truncating variants. (Herman D et al. Truncations of titin causing dilated cardiomyopathy. N Eng J Med 366:619-628, 2012) The variant is found in DCM-CRDM panel(s).